The following is an entry in ClinVar:

NM_005629.4(SLC6A8):c.1048G>A (p.Gly350Arg)

Gene: SLC6A8 (solute carrier family 6 member 8; plus strand). Cytogenetic location: Xq28.
Variant type: single nucleotide variant.
Coding change: c.1048G>A on transcript NM_005629.4 (MANE Select); coding-DNA position 1048, G replaced by A.
Protein change: p.Gly350Arg; replaces glycine 350 with arginine.
Molecular consequence: missense variant.
Genome position (GRCh38, 1-based): chrX:153,693,493, G>A. VCF-style: chrX-153693493-G-A. GRCh37 (hg19) VCF-style: chrX-152958948-G-A.
Other names: NM_005629.4(SLC6A8):c.1048G>A; p.Gly350Arg; c.1018G>A, p.Gly340Arg (NM_001142805.2); c.703G>A, p.Gly235Arg (NM_001142806.1); short protein forms G340R, G350R, G235R.
Identifiers: ClinVar variation 1429635 (VCV001429635.8), dbSNP rs2148363200, ClinGen allele CA415085315.
Genomic context (GRCh38, chrX:153,693,493, plus strand): 5'-CCATCCACTCTGGCCCCTCCACCCCTCAGGGACGCCATCATCCTGGCTCTCATCAACAGT[G>A]GGACCAGCTTCTTTGCTGGCTTCGTGGTCTTCTCCATCCTGGGCTTCATGGCTGCAGAGC-3'
Protein context (NP_005620.1, residues 340-360): DAIILALINS[Gly350Arg]TSFFAGFVVF

ClinVar aggregate classification (germline): Uncertain significance. Review status: reviewed by expert panel (3 of 4 stars). 3 submissions from 3 submitters: Uncertain significance (1). 2 of the submissions do not count toward it. Last evaluated 2025-03-18.

Conditions:
Creatine transporter deficiency (CCDS1). Also called: CEREBRAL CREATINE DEFICIENCY SYNDROME 1; Mental retardation , X-linked with seizures, short stature and midface hypoplasia; Mental retardation , X-linked, with creatine transport deficiency; X-linked creatine transporter deficiency; X-linked creatine deficiency syndrome; SLC6A8-Related Creatine Transporter Deficiency. Identifiers: Orphanet 52503, MedGen C1845862, MONDO:0010305, OMIM 300352.

Submissions (3):

ClinGen Cerebral Creatine Deficiency Syndromes Variant Curation Expert Panel, ClinGen
Classification: Uncertain significance for Creatine transporter deficiency. Last evaluated: 2025-03-18. Review status: reviewed by expert panel. Criteria: ClinGen_CCDS_ACMG_Specifications_SLC6A8_v1.1. Collection method: curation. Allele origin: germline. Inheritance: X-linked inheritance.
Comment: The NM_005629.4:c.1048G>A variant in SLC6A8 is a missense variant predicted to cause the substitution of a glycine by arginine at amino acid position 350 (p.Gly350Arg). This variant is absent in gnomAD v4.1.0. (PM2_Supporting). The computational predictor REVEL gives a score of 0.824 (PP3), which is higher than the ClinGen CCDS VCEP’s threshold for PP3 (>0.75) suggesting that this variant impacts the function of the creatine transporter (PP3). To our knowledge, this variant has not been reported in the literature in an individual with creatine transporter deficiency. There is a ClinVar entry for this variant (Variation ID: 1429635). In summary, this variant meets criteria to be classified as a variant of uncertain significance for creatine transporter deficiency. SLC6A8-specific criteria applied, as specified by the ClinGen CCDS VCEP (Specifications Version 1.1.0): PP3, PM2_Supporting. (Classification approved by the ClinGen Cerebral Creatine Deficiencies Variant Curation Expert Panel on March 18, 2025)

GeneDx
Classification: Likely pathogenic. Last evaluated: 2022-07-08. Review status: criteria provided, single submitter. Criteria: GeneDx Variant Classification Process June 2021. Collection method: clinical testing. Allele origin: germline. Affected: yes. Not counted in ClinVar's aggregate classification.
Comment: Not observed at significant frequency in large population cohorts (gnomAD); In silico analysis supports that this missense variant has a deleterious effect on protein structure/function; Has not been previously published as pathogenic or benign to our knowledge

Labcorp Genetics (formerly Invitae), Labcorp
Classification: Uncertain significance for Creatine transporter deficiency. Last evaluated: 2021-08-15. Review status: criteria provided, single submitter. Criteria: Invitae Variant Classification Sherloc (09022015). Collection method: clinical testing. Allele origin: germline. Not counted in ClinVar's aggregate classification.
Comment: This variant has not been reported in the literature in individuals affected with SLC6A8-related conditions. In summary, the available evidence is currently insufficient to determine the role of this variant in disease. Therefore, it has been classified as a Variant of Uncertain Significance. Algorithms developed to predict the effect of sequence changes on RNA splicing suggest that this variant may create or strengthen a splice site. Algorithms developed to predict the effect of missense changes on protein structure and function (SIFT, PolyPhen-2, Align-GVGD) all suggest that this variant is likely to be disruptive. This variant is not present in population databases (ExAC no frequency). This sequence change replaces glycine with arginine at codon 350 of the SLC6A8 protein (p.Gly350Arg). The glycine residue is highly conserved and there is a moderate physicochemical difference between glycine and arginine.